The following is an entry in ClinVar:

ClinVar aggregate classification (germline): Uncertain significance (1 of 4 stars; one submission).

Conditions:
DNAJC13-related disorder. Also called: DNAJC13-related condition.

gnomAD v4.1: 49 of 1,613,940 alleles (0.003%); highest among the groups gnomAD compares: African/African-American, 0.0053%; no homozygotes.

Submission:

PreventionGenetics, part of Exact Sciences
Classification: Uncertain significance for DNAJC13-related condition. Last evaluated: 2025-03-05. Review status: criteria provided, single submitter. Criteria: ACMG Guidelines, 2015. Collection method: clinical testing. Allele origin: germline.
Comment: The DNAJC13 c.6616T>C variant is predicted to result in the amino acid substitution p.Tyr2206His. To our knowledge, this variant has not been reported in the literature. This variant is reported in 0.0040% of alleles in individuals of African descent in gnomAD. At this time, the clinical significance of this variant is uncertain due to the absence of conclusive functional and genetic evidence.

NM_015268.4(DNAJC13):c.6616T>C (p.Tyr2206His)

Gene: DNAJC13 (DnaJ heat shock protein family (Hsp40) member C13; plus strand). Cytogenetic location: 3q22.1.
Variant type: single nucleotide variant.
Coding change: c.6616T>C on transcript NM_015268.4 (MANE Select); coding-DNA position 6616, T replaced by C.
Protein change: p.Tyr2206His; replaces tyrosine 2206 with histidine.
Molecular consequence: missense variant.
Genome position (GRCh38, 1-based): chr3:132,531,088, T>C. VCF-style: chr3-132531088-T-C. GRCh37 (hg19) VCF-style: chr3-132249932-T-C.
Other names: c.6631T>C, p.Tyr2211His (NM_001329126.2); short protein forms Y2206H, Y2211H.
Identifiers: ClinVar variation 4979184 (VCV004979184.1).